The following is an entry in ClinVar:

NM_004006.3(DMD):c.5182C>G (p.Arg1728Gly)

Gene: DMD (dystrophin; minus strand). Cytogenetic location: Xp21.1.
Variant type: single nucleotide variant.
Coding change: c.5182C>G on transcript NM_004006.3 (MANE Select); coding-DNA position 5182, C replaced by G.
Protein change: p.Arg1728Gly; replaces arginine 1728 with glycine.
Molecular consequence: missense variant.
Genome position (GRCh38, 1-based): chrX:32,362,931, G>C on the plus strand (C>G on the coding strand, the complement: DMD is on the minus strand). VCF-style: chrX-32362931-G-C. GRCh37 (hg19) VCF-style: chrX-32381048-G-C.
Other names: c.5158C>G, p.Arg1720Gly (NM_000109.4); c.5170C>G, p.Arg1724Gly (NM_004009.3); c.4813C>G, p.Arg1605Gly (NM_004010.3); c.1159C>G, p.Arg387Gly (NM_004011.4); c.1150C>G, p.Arg384Gly (NM_004012.4); short protein forms R384G, R387G, R1728G, R1720G, R1724G, R1605G.
Identifiers: ClinVar variation 4763610 (VCV004763610.1).
Genomic context (GRCh38, chrX:32,362,931, plus strand): 5'-GGTCACCGCGGTTTGCCATCAAGTTTGCTGCTTGGTCACGTGTAGAGTCCACCTTTGGGC[G>C]TATGTCATTCAGTTCTGCCTTTAAACGCTATATTCCATGAGCAAGAGATAGGACTTGAAG-3'
Protein context (NP_003997.2, residues 1718-1738): KRLKAELNDI[Arg1728Gly]PKVDSTRDQA

ClinVar aggregate classification (germline): Uncertain significance (1 of 4 stars; one submission).

Conditions:
Duchenne muscular dystrophy (DMD). Also called: MUSCULAR DYSTROPHY, PSEUDOHYPERTROPHIC PROGRESSIVE, DUCHENNE TYPE; Duchenne Muscular Dystrophy (DMD). Identifiers: Orphanet 98896, MedGen C0013264, MONDO:0010679, OMIM 310200.

Submission:

Labcorp Genetics (formerly Invitae), Labcorp
Classification: Uncertain significance for Duchenne muscular dystrophy. Last evaluated: 2025-12-24. Review status: criteria provided, single submitter. Criteria: Invitae Variant Classification Sherloc (09022015). Collection method: clinical testing. Allele origin: germline.
Comment: This sequence change replaces arginine, which is basic and polar, with glycine, which is neutral and non-polar, at codon 1728 of the DMD protein (p.Arg1728Gly). This variant is not present in population databases (gnomAD no frequency). This variant has not been reported in the literature in individuals affected with DMD-related conditions. Invitae Evidence Modeling of protein sequence and biophysical properties (such as structural, functional, and spatial information, amino acid conservation, physicochemical variation, residue mobility, and thermodynamic stability) indicates that this missense variant is not expected to disrupt DMD protein function with a negative predictive value of 95%. In summary, the available evidence is currently insufficient to determine the role of this variant in disease. Therefore, it has been classified as a Variant of Uncertain Significance.